The following is an entry in ClinVar:

NM_003070.5(SMARCA2):c.1625A>G (p.Asn542Ser)

Gene: SMARCA2 (SWI/SNF related BAF chromatin remodeling complex subunit ATPase 2; plus strand). Cytogenetic location: 9p24.3.
Variant type: single nucleotide variant.
Coding change: c.1625A>G on transcript NM_003070.5 (MANE Select); coding-DNA position 1625, A replaced by G.
Protein change: p.Asn542Ser; replaces asparagine 542 with serine.
Molecular consequence: missense variant.
Genome position (GRCh38, 1-based): chr9:2,060,919, A>G. VCF-style: chr9-2060919-A-G. GRCh37 (hg19) VCF-style: chr9-2060919-A-G.
Other names: c.1625A>G, p.Asn542Ser (NM_001289396.2, NM_001289397.2, NM_139045.4); short protein forms N542S.
Identifiers: ClinVar variation 1211033 (VCV001211033.3), dbSNP rs767419753, ClinGen allele CA4963205.
Genomic context (GRCh38, chr9:2,060,919, plus strand): 5'-AAGACAGGCGTTTAGCTTACCTTTTGCAGCAGACCGATGAGTATGTAGCCAATCTGACCA[A>G]TCTGGTTTGGGAGCACAAGCAAGCCCAGGCAGCCAAAGAGAAGAAGAAGAGGAGGAGGAG-3'
Protein context (NP_003061.3, residues 532-552): QTDEYVANLT[Asn542Ser]LVWEHKQAQA

ClinVar aggregate classification (germline): Uncertain significance (1 of 4 stars; one submission).

Allele frequency attached by ClinVar (database versions not stated): gnomAD exomes below 0.00001 and 0.00001; TOPMed below 0.00001; ExAC 0.00002.
gnomAD v4.1: 7 of 1,614,144 alleles (0.00043%); highest among the groups gnomAD compares: Admixed American, 0.0017%; no homozygotes.

Submission:

GeneDx
Classification: Uncertain significance. Last evaluated: 2019-07-22. Review status: criteria provided, single submitter. Criteria: GeneDx Variant Classification Process June 2021. Collection method: clinical testing. Allele origin: germline. Affected: yes.
Comment: In silico analysis, which includes protein predictors and evolutionary conservation, supports that this variant does not alter protein structure/function; Has not been previously published as pathogenic or benign to our knowledge